The following is an entry in ClinVar:

NM_003628.6(PKP4):c.1477A>C (p.Asn493His)

Gene: PKP4 (plakophilin 4; plus strand). Cytogenetic location: 2q24.1.
Variant type: single nucleotide variant.
Coding change: c.1477A>C on transcript NM_003628.6 (MANE Select); coding-DNA position 1477, A replaced by C.
Protein change: p.Asn493His; replaces asparagine 493 with histidine.
Molecular consequence: missense variant.
Genome position (GRCh38, 1-based): chr2:158,634,204, A>C. VCF-style: chr2-158634204-A-C. GRCh37 (hg19) VCF-style: chr2-159490716-A-C.
Other names: c.1477A>C, p.Asn493His (NM_001005476.4, NM_001304971.2, NM_001377218.1 and 1 more transcripts); c.1474A>C, p.Asn492His (NM_001304969.3, NM_001377219.1, NM_001377220.1 and 2 more transcripts); c.448A>C, p.Asn150His (NM_001304970.3); c.1471A>C, p.Asn491His (NM_001377222.1, NM_001377223.1); c.1468A>C, p.Asn490His (NM_001377224.1); short protein forms N490H, N493H, N491H, N150H, N492H.
Identifiers: ClinVar variation 2563005 (VCV002563005.2), dbSNP rs2529659704, ClinGen allele CA348909915.

ClinVar aggregate classification (germline): Uncertain significance (1 of 4 stars; one submission).

Submission:

Ambry Genetics
Classification: Uncertain significance. Last evaluated: 2023-03-23. Review status: criteria provided, single submitter. Criteria: Ambry Variant Classification Scheme 2023. Collection method: clinical testing. Allele origin: germline.
Comment: The p.N493H variant (also known as c.1477A>C), located in coding exon 8 of the PKP4 gene, results from an A to C substitution at nucleotide position 1477. The asparagine at codon 493 is replaced by histidine, an amino acid with similar properties. This amino acid position is conserved. In addition, this alteration is predicted to be tolerated by in silico analysis. Since supporting evidence is limited at this time, the clinical significance of this alteration remains unclear.